The following is an entry in ClinVar:

ClinVar aggregate classification (germline): Uncertain significance (1 of 4 stars; one submission).

Conditions:
Hereditary cancer-predisposing syndrome. Also called: Hereditary Cancer Syndrome; Tumor predisposition; Hereditary neoplastic syndrome; Neoplastic Syndromes, Hereditary. Identifiers: Orphanet 140162, MedGen C0027672, MeSH D009386, MONDO:0015356.

Submission:

Ambry Genetics
Classification: Uncertain significance for Hereditary cancer-predisposing syndrome. Last evaluated: 2024-09-02. Review status: criteria provided, single submitter. Criteria: Ambry Variant Classification Scheme 2023. Collection method: clinical testing. Allele origin: germline.
Comment: The p.L1160I variant (also known as c.3478C>A), located in coding exon 16 of the MET gene, results from a C to A substitution at nucleotide position 3478. The leucine at codon 1160 is replaced by isoleucine, an amino acid with highly similar properties. This amino acid position is conserved. In addition, the in silico prediction for this alteration is inconclusive. Based on the available evidence, the clinical significance of this variant remains unclear.

NM_000245.4(MET):c.3424C>A (p.Leu1142Ile)

Gene: MET (MET proto-oncogene, receptor tyrosine kinase; plus strand). Cytogenetic location: 7q31.2.
Variant type: single nucleotide variant.
Coding change: c.3424C>A on transcript NM_000245.4 (MANE Select); coding-DNA position 3424, C replaced by A.
Protein change: p.Leu1142Ile; replaces leucine 1142 with isoleucine.
Molecular consequence: missense variant.
Genome position (GRCh38, 1-based): chr7:116,778,859, C>A. VCF-style: chr7-116778859-C-A. GRCh37 (hg19) VCF-style: chr7-116418913-C-A.
Other names: c.3478C>A, p.Leu1160Ile (NM_001127500.3); c.2134C>A, p.Leu712Ile (NM_001324402.2); short protein forms L1142I, L712I, L1160I.
Identifiers: ClinVar variation 3395145 (VCV003395145.1).